The following is an entry in ClinVar:

NM_152564.5(VPS13B):c.11790A>T (p.Arg3930Ser)

Gene: VPS13B (vacuolar protein sorting 13 homolog B; plus strand). Cytogenetic location: 8q22.2.
Variant type: single nucleotide variant.
Coding change: c.11790A>T on transcript NM_152564.5 (MANE Select); coding-DNA position 11790, A replaced by T.
Protein change: p.Arg3930Ser; replaces arginine 3930 with serine.
Molecular consequence: missense variant.
Genome position (GRCh38, 1-based): chr8:99,875,462, A>T. VCF-style: chr8-99875462-A-T. GRCh37 (hg19) VCF-style: chr8-100887690-A-T.
Other names: c.11865A>T, p.Arg3955Ser (NM_017890.5); short protein forms R3955S, R3930S.
Identifiers: ClinVar variation 2201975 (VCV002201975.19), dbSNP rs184614305, ClinGen allele CA182335220.

ClinVar aggregate classification (germline): Uncertain significance. Review status: criteria provided, multiple submitters, no conflicts (2 of 4 stars). 5 submissions from 5 submitters: Uncertain significance (4). 1 of the submissions does not count toward it. Last evaluated 2026-04-02.

Conditions:
Cohen syndrome (COH1). Also called: PEPPER SYNDROME; Cutis verticis gyrata, retinitis pigmentosa, and sensorineural deafness. Identifiers: Orphanet 193, MedGen C0265223, MONDO:0008999, OMIM 216550.
VPS13B-related disorder. Also called: VPS13B-related condition.

Allele frequency attached by ClinVar (database versions not stated): TOPMed below 0.00001; gnomAD exomes 0.00001; gnomAD 0.00003; 1000 Genomes Project 30x 0.00016; 1000 Genomes Project 0.00020.
gnomAD v4.1: 20 of 1,614,128 alleles (0.0012%); highest among the groups gnomAD compares: East Asian, 0.036%; no homozygotes.

Submissions (5):

Women's Health and Genetics/Laboratory Corporation of America, LabCorp
Classification: Uncertain significance. Last evaluated: 2026-04-02. Review status: criteria provided, single submitter. Criteria: LabCorp Variant Classification Summary - May 2015. Collection method: clinical testing. Allele origin: germline.
Comment: Variant summary: VPS13B c.11865A>T (p.Arg3955Ser) results in a non-conservative amino acid change in the encoded protein sequence. Algorithms developed to predict the effect of missense changes on protein structure and function are either unavailable or do not agree on the potential impact of this missense change. The variant allele was found at a frequency of 8e-06 in 251248 control chromosomes. The available data on variant occurrences in the general population are insufficient to allow any conclusion about variant significance. To our knowledge, no occurrence of c.11865A>T in individuals affected with VPS13B-related conditions and no experimental evidence demonstrating its impact on protein function have been reported. ClinVar contains an entry for this variant (Variation ID: 2201975). Based on the evidence outlined above, the variant was classified as uncertain significance.

CeGaT Center for Human Genetics Tuebingen
Classification: Uncertain significance. Last evaluated: 2024-11-01. Review status: criteria provided, single submitter. Criteria: CeGaT Center For Human Genetics Tuebingen Variant Classification Criteria Version 2. Collection method: clinical testing. Allele origin: germline. Affected: yes. Observed: 1 variant allele.
Comment: VPS13B: PM2

Blueprint Genetics
Classification: Uncertain significance. Last evaluated: 2024-07-10. Review status: criteria provided, single submitter. Criteria: ACMG Guidelines, 2015. Collection method: clinical testing. Allele origin: germline.

Labcorp Genetics (formerly Invitae), Labcorp
Classification: Uncertain significance for Cohen syndrome. Last evaluated: 2022-03-04. Review status: criteria provided, single submitter. Criteria: Invitae Variant Classification Sherloc (09022015). Collection method: clinical testing. Allele origin: germline.
Comment: This sequence change replaces arginine, which is basic and polar, with serine, which is neutral and polar, at codon 3955 of the VPS13B protein (p.Arg3955Ser). This variant is present in population databases (rs184614305, gnomAD 0.01%). This variant has not been reported in the literature in individuals affected with VPS13B-related conditions. Algorithms developed to predict the effect of missense changes on protein structure and function are either unavailable or do not agree on the potential impact of this missense change (SIFT: "Not Available"; PolyPhen-2: "Benign"; Align-GVGD: "Not Available"). In summary, the available evidence is currently insufficient to determine the role of this variant in disease. Therefore, it has been classified as a Variant of Uncertain Significance.

PreventionGenetics, part of Exact Sciences
Classification: Uncertain significance for VPS13B-related condition. Last evaluated: 2024-02-27. Review status: no assertion criteria provided. Collection method: clinical testing. Allele origin: germline. Not counted in ClinVar's aggregate classification.
Comment: The VPS13B c.11790A>T variant is predicted to result in the amino acid substitution p.Arg3930Ser. To our knowledge, this variant has not been reported in the literature. This variant is reported in 0.015% of alleles in individuals of East Asian descent in gnomAD. At this time, the clinical significance of this variant is uncertain due to the absence of conclusive functional and genetic evidence.